The following is an entry in ClinVar:

ClinVar aggregate classification (germline): Pathogenic (1 of 4 stars; one submission).

Conditions:
X-linked severe congenital neutropenia (SCNX). Identifiers: Orphanet 86788, MedGen C1845987, MONDO:0010294, OMIM 300299.
Thrombocytopenia 1. Also called: THROMBOCYTOPENIA, X-LINKED, 1; X-Linked Thrombocytopenia (XLT); X-linked thrombocytopenia with normal platelets. Identifiers: Orphanet 268322, Orphanet 852, MedGen C1839163, MONDO:0010743, OMIM 313900.
Wiskott-Aldrich syndrome (WAS). Also called: WISKOTT-ALDRICH SYNDROME 1; ALDRICH SYNDROME; IMMUNODEFICIENCY 2; Wiskott-aldrich syndrome, somatic. Identifiers: Orphanet 906, MedGen C0043194, MONDO:0010518, OMIM 301000.

Submission:

Labcorp Genetics (formerly Invitae), Labcorp
Classification: Pathogenic for Wiskott-Aldrich syndrome; X-linked severe congenital neutropenia; Thrombocytopenia 1. Last evaluated: 2017-08-17. Review status: criteria provided, single submitter. Criteria: Invitae Variant Classification Sherloc (09022015). Collection method: clinical testing. Allele origin: germline.
Comment: For these reasons, this variant has been classified as Pathogenic. Loss-of-function variants in WAS are known to be pathogenic (PMID: 15284122). This variant has not been reported in the literature in individuals with WAS-related disease. This variant is not present in population databases (ExAC no frequency). This sequence change creates a premature translational stop signal (p.Gln91*) in the WAS gene. It is expected to result in an absent or disrupted protein product.

Literature cited by the submitters: PubMed 15284122.

NM_000377.3(WAS):c.271C>T (p.Gln91Ter)

Gene: WAS (WASP actin nucleation promoting factor; plus strand). Cytogenetic location: Xp11.23.
Variant type: single nucleotide variant.
Coding change: c.271C>T on transcript NM_000377.3 (MANE Select); coding-DNA position 271, C replaced by T.
Protein change: p.Gln91Ter; replaces glutamine 91 with a stop codon.
Molecular consequence: nonsense.
Genome position (GRCh38, 1-based): chrX:48,684,421, C>T. VCF-style: chrX-48684421-C-T. GRCh37 (hg19) VCF-style: chrX-48542810-C-T.
Other names: short protein forms Q91*.
Identifiers: ClinVar variation 528221 (VCV000528221.6), dbSNP rs1557006354, ClinGen allele CA412866685.